The following is an entry in ClinVar:

ClinVar aggregate classification (germline): Uncertain significance. Review status: criteria provided, multiple submitters, no conflicts (2 of 4 stars). 2 submissions from 2 submitters: Uncertain significance (2). Last evaluated 2026-01-24.

Conditions:
Cataract 33. Also called: CATARACT 33, CORTICAL. Identifiers: Orphanet 91492, MedGen C3808107, MONDO:0012665, OMIM 611391.

Allele frequency attached by ClinVar (database versions not stated): 1000 Genomes Project 0.00020; 1000 Genomes Project 30x 0.00031; TOPMed 0.00048; gnomAD 0.00056; gnomAD exomes 0.00066 and 0.00076; ExAC 0.00315.
gnomAD v4.1: 1,038 of 1,433,424 alleles (0.072%); highest among the groups gnomAD compares: Middle Eastern, 0.24%; 1 homozygote.

Submissions (2):

Labcorp Genetics (formerly Invitae), Labcorp
Classification: Uncertain significance for Cataract 33. Last evaluated: 2026-01-24. Review status: criteria provided, single submitter. Criteria: Invitae Variant Classification Sherloc (09022015). Collection method: clinical testing. Allele origin: germline.
Comment: This sequence change replaces serine, which is neutral and polar, with asparagine, which is neutral and polar, at codon 125 of the BFSP1 protein (p.Ser125Asn). This variant is present in population databases (rs561395667, gnomAD 0.1%), and has an allele count higher than expected for a pathogenic variant. This missense change has been observed in individual(s) with clinical features of BFSP1-related conditions (internal data). ClinVar contains an entry for this variant (Variation ID: 648073). Invitae Evidence Modeling of protein sequence and biophysical properties (such as structural, functional, and spatial information, amino acid conservation, physicochemical variation, residue mobility, and thermodynamic stability) indicates that this missense variant is not expected to disrupt BFSP1 protein function with a negative predictive value of 80%. In summary, the available evidence is currently insufficient to determine the role of this variant in disease. Therefore, it has been classified as a Variant of Uncertain Significance.

Blueprint Genetics
Classification: Uncertain significance. Last evaluated: 2024-11-08. Review status: criteria provided, single submitter. Criteria: ACMG Guidelines, 2015. Collection method: clinical testing. Allele origin: germline.

NM_001195.5(BFSP1):c.374G>A (p.Ser125Asn)

Gene: BFSP1 (beaded filament structural protein 1; minus strand). Cytogenetic location: 20p12.1.
Variant type: single nucleotide variant.
Coding change: c.374G>A on transcript NM_001195.5 (MANE Select); coding-DNA position 374, G replaced by A.
Protein change: p.Ser125Asn; replaces serine 125 with asparagine.
Molecular consequence: missense variant. On other transcripts: intron variant (4).
Genome position (GRCh38, 1-based): chr20:17,530,956, C>T on the plus strand (G>A on the coding strand, the complement: BFSP1 is on the minus strand). VCF-style: chr20-17530956-C-T. GRCh37 (hg19) VCF-style: chr20-17511601-C-T.
Other names: c.-40-6048G>A (NM_001278608.2, NM_001278606.2); c.45-6048G>A (NM_001278607.2); c.3-6048G>A (NM_001161705.2); short protein forms S125N.
Identifiers: ClinVar variation 648073 (VCV000648073.10), dbSNP rs561395667, ClinGen allele CA9772373.